The following is an entry in ClinVar:

ClinVar aggregate classification (germline): Conflicting classifications of pathogenicity. Review status: criteria provided, conflicting classifications (1 of 4 stars). 2 submissions from 2 submitters: Uncertain significance (1); Benign (1). Last evaluated 2025-11-04.

Conditions:
Hereditary cancer-predisposing syndrome. Also called: Tumor predisposition; Hereditary neoplastic syndrome; Neoplastic Syndromes, Hereditary; Hereditary Cancer Syndrome. Identifiers: Orphanet 140162, MedGen C0027672, MeSH D009386, MONDO:0015356.

Allele frequency attached by ClinVar (database versions not stated): ExAC 0.25042.

Submissions (2):

Ambry Genetics
Classification: Uncertain significance for Hereditary cancer-predisposing syndrome. Last evaluated: 2025-11-04. Review status: criteria provided, single submitter. Criteria: Ambry Variant Classification Scheme 2023. Collection method: clinical testing. Allele origin: germline.
Comment: The p.V183G variant (also known as c.548T>G), located in coding exon 5 of the POT1 gene, results from a T to G substitution at nucleotide position 548. The valine at codon 183 is replaced by glycine, an amino acid with dissimilar properties. This variant was identified amongst a cohort of 496 individuals with at least a single primary melanoma (M&uuml;ller C et al. G3 (Bethesda), 2018 May;8:1475-1480). This amino acid position is highly conserved in available vertebrate species. In addition, this alteration is predicted to be deleterious by in silico analysis. Based on the available evidence, the clinical significance of this variant remains unclear.

GeneDx
Classification: Benign. Last evaluated: 2018-09-19. Review status: criteria provided, single submitter. Criteria: GeneDx Variant Classification Process June 2021. Collection method: clinical testing. Allele origin: germline. Affected: yes.

Literature cited by the submitters: PubMed 29523635 (cited by Ambry Genetics).

NM_015450.3(POT1):c.548T>G (p.Val183Gly)

Gene: POT1 (protection of telomeres 1; minus strand). Cytogenetic location: 7q31.33.
Variant type: single nucleotide variant.
Coding change: c.548T>G on transcript NM_015450.3 (MANE Select); coding-DNA position 548, T replaced by G.
Protein change: p.Val183Gly; replaces valine 183 with glycine.
Molecular consequence: missense variant. On other transcripts: non-coding transcript variant (3).
Genome position (GRCh38, 1-based): chr7:124,859,111, A>C on the plus strand (T>G on the coding strand, the complement: POT1 is on the minus strand). VCF-style: chr7-124859111-A-C. GRCh37 (hg19) VCF-style: chr7-124499165-A-C.
Other names: c.155T>G, p.Val52Gly (NM_001042594.2); short protein forms V183G, V52G.
Identifiers: ClinVar variation 1282146 (VCV001282146.2), dbSNP rs200464979, ClinGen allele CA4465414.